The following is an entry in ClinVar:

NM_015202.5(KATNIP):c.4291dup (p.Ile1431fs)

Gene: KATNIP (katanin interacting protein; plus strand). Cytogenetic location: 16p12.1.
Variant type: Duplication.
Coding change: c.4291dup on transcript NM_015202.5 (MANE Select); coding-DNA position 4291, one base duplicated (A; older notation c.4291dupA).
Protein change: p.Ile1431fs; shifts the reading frame from isoleucine 1431.
Molecular consequence: frameshift variant.
Genome position (GRCh38, 1-based): chr16:27,773,191, A duplicated; the last of 6 consecutive A bases (chr16:27,773,186-27,773,191); duplicating any one gives the same sequence. VCF-style (leftmost placement, unchanged base first): chr16-27773185-G-GA. GRCh37 (hg19) VCF-style: chr16-27784506-G-GA.
Other names: short protein forms I1431fs.
Identifiers: ClinVar variation 1960397 (VCV001960397.5), dbSNP rs2543413509, ClinGen allele CA2580091352.

ClinVar aggregate classification (germline): Pathogenic (1 of 4 stars; one submission).

Submission:

Labcorp Genetics (formerly Invitae), Labcorp
Classification: Pathogenic. Last evaluated: 2022-04-01. Review status: criteria provided, single submitter. Criteria: Invitae Variant Classification Sherloc (09022015). Collection method: clinical testing. Allele origin: germline.
Comment: This sequence change creates a premature translational stop signal (p.Ile1431Asnfs*40) in the KIAA0556 gene. It is expected to result in an absent or disrupted protein product. Loss-of-function variants in KIAA0556 are known to be pathogenic (PMID: 26714646, 27245168). This variant is not present in population databases (gnomAD no frequency). This variant has not been reported in the literature in individuals affected with KIAA0556-related conditions. For these reasons, this variant has been classified as Pathogenic.

Literature cited by the submitters: PubMed 26714646; PubMed 27245168.